The following is an entry in ClinVar:

NM_001048174.2(MUTYH):c.1488G>T (p.Met496Ile)

Gene: MUTYH (mutY DNA glycosylase; minus strand). Cytogenetic location: 1p34.1.
Variant type: single nucleotide variant.
Coding change: c.1488G>T on transcript NM_001048174.2 (MANE Select); coding-DNA position 1488, G replaced by T.
Protein change: p.Met496Ile; replaces methionine 496 with isoleucine.
Molecular consequence: missense variant. On other transcripts: non-coding transcript variant (7).
Genome position (GRCh38, 1-based): chr1:45,329,384, C>A on the plus strand (G>T on the coding strand, the complement: MUTYH is on the minus strand). VCF-style: chr1-45329384-C-A. GRCh37 (hg19) VCF-style: chr1-45795056-C-A.
Other names: c.1488G>T, p.Met496Ile (NM_001048171.2, NM_001048173.2, NM_001293195.2 and 6 more transcripts); c.1491G>T, p.Met497Ile (NM_001048172.2, NM_001407086.1, NM_001407071.1 and 1 more transcripts); c.1572G>T, p.Met524Ile (NM_001128425.2); c.1533G>T, p.Met511Ile (NM_001293190.2); c.1521G>T, p.Met507Ile (NM_001293191.2, NM_001407069.1, NM_001407077.1); c.1212G>T, p.Met404Ile (NM_001293192.2, NM_001293196.2, NM_001407091.1); c.1143G>T, p.Met381Ile (NM_001350650.2, NM_001350651.2, NM_001407082.1); c.1530G>T, p.Met510Ile (NM_001407083.1, NM_001407085.1); and 5 more; short protein forms M381I, M497I, M510I, M524I, M404I, M482I, M483I, M496I.
Identifiers: ClinVar variation 4113379 (VCV004113379.1).
Genomic context (GRCh38, chr1:45,329,384, plus strand): 5'-GAGGCTGTGTGCATCAGTGGAGATGTGAGACCGAAAGAAATTATCCAGGACTTGCTGGCC[C>A]ATGCGGGGCTTTTTCCGACTGCACGGAGAGGACACCTGGGACCTTTTGGAACCCTGTGAA-3'
Protein context (NP_001041639.1, residues 486-506): SSPCSRKKPR[Met496Ile]GQQVLDNFFR

ClinVar aggregate classification (germline): Uncertain significance (1 of 4 stars; one submission).

Conditions:
Hereditary cancer-predisposing syndrome. Also called: Tumor predisposition; Neoplastic Syndromes, Hereditary; Hereditary neoplastic syndrome; Hereditary Cancer Syndrome. Identifiers: Orphanet 140162, MedGen C0027672, MeSH D009386, MONDO:0015356.

Submission:

Ambry Genetics
Classification: Uncertain significance for Hereditary cancer-predisposing syndrome. Last evaluated: 2025-08-27. Review status: criteria provided, single submitter. Criteria: Ambry Variant Classification Scheme 2023. Collection method: clinical testing. Allele origin: germline.
Comment: The p.M524I variant (also known as c.1572G>T), located in coding exon 16 of the MUTYH gene, results from a G to T substitution at nucleotide position 1572. The methionine at codon 524 is replaced by isoleucine, an amino acid with highly similar properties. This amino acid position is conserved. In addition, this alteration is predicted to be tolerated by in silico analysis. Based on the available evidence, the clinical significance of this variant remains unclear.